The following is an entry in ClinVar:

NM_002485.5(NBN):c.299G>C (p.Gly100Ala)

Gene: NBN (nibrin; minus strand). Cytogenetic location: 8q21.3.
Variant type: single nucleotide variant.
Coding change: c.299G>C on transcript NM_002485.5 (MANE Select); coding-DNA position 299, G replaced by C.
Protein change: p.Gly100Ala; replaces glycine 100 with alanine.
Molecular consequence: missense variant.
Genome position (GRCh38, 1-based): chr8:89,981,396, C>G on the plus strand (G>C on the coding strand, the complement: NBN is on the minus strand). VCF-style: chr8-89981396-C-G. GRCh37 (hg19) VCF-style: chr8-90993624-C-G.
Other names: c.53G>C, p.Gly18Ala (NM_001024688.3); short protein forms G18A, G100A.
Identifiers: ClinVar variation 1470841 (VCV001470841.6), dbSNP rs2129914264, ClinGen allele CA371662336.
Genomic context (GRCh38, chr8:89,981,396, plus strand): 5'-AAAGCTGTCCATTTTAAAATCAATTTTAAAATGTCTTACCTGAATTTACTTCCAAACACT[C>G]CAAAAGTAATACCATCCCCCGACTTCAAAGTTCGGGAAAAGCCATTCTGCATTTTTTCCT-3'
Protein context (NP_002476.2, residues 90-110): TLKSGDGITF[Gly100Ala]VFGSKFRIEY

ClinVar aggregate classification (germline): Uncertain significance (1 of 4 stars; one submission).

Conditions:
Microcephaly, normal intelligence and immunodeficiency (NBS). Also called: BERLIN BREAKAGE SYNDROME; Immunodeficiency, microcephaly with normal intelligence; Nijmegen breakage syndrome; Microcephaly with normal intelligence immunodeficiency and lymphoreticular malignancies; Nonsyndromal microcephaly autosomal recessive with normal intelligence; Seemanova syndrome 2. Identifiers: Orphanet 647, MedGen C0398791, MONDO:0009623, OMIM 251260.

Allele frequency attached by ClinVar (database versions not stated): gnomAD exomes below 0.00001.
gnomAD v4.1: 1 of 1,613,994 alleles (0.000062%); highest among the groups gnomAD compares: Non-Finnish European, 0.000085%; no homozygotes.

Submission:

Labcorp Genetics (formerly Invitae), Labcorp
Classification: Uncertain significance for Microcephaly, normal intelligence and immunodeficiency. Last evaluated: 2021-08-23. Review status: criteria provided, single submitter. Criteria: Invitae Variant Classification Sherloc (09022015). Collection method: clinical testing. Allele origin: germline.
Comment: In summary, the available evidence is currently insufficient to determine the role of this variant in disease. Therefore, it has been classified as a Variant of Uncertain Significance. Algorithms developed to predict the effect of missense changes on protein structure and function are either unavailable or do not agree on the potential impact of this missense change (SIFT: "Deleterious"; PolyPhen-2: "Probably Damaging"; Align-GVGD: "Class C0"). This variant has not been reported in the literature in individuals affected with NBN-related conditions. This variant is not present in population databases (ExAC no frequency). This sequence change replaces glycine with alanine at codon 100 of the NBN protein (p.Gly100Ala). The glycine residue is highly conserved and there is a small physicochemical difference between glycine and alanine.